The following is an entry in ClinVar:

ClinVar aggregate classification (germline): Uncertain significance. Review status: criteria provided, single submitter (1 of 4 stars). 2 submissions from 2 submitters: Uncertain significance (1). 1 of the submissions does not count toward it. Last evaluated 2024-03-25.

Conditions:
Propionic acidemia (PROP). Also called: GLYCINEMIA, KETOTIC; HYPERGLYCINEMIA WITH KETOACIDOSIS AND LEUKOPENIA; KETOTIC HYPERGLYCINEMIA. Identifiers: Orphanet 35, MedGen C0268579, MONDO:0011628, OMIM 606054, HP:0003571.

Allele frequency attached by ClinVar (database versions not stated): gnomAD 0.00001.
gnomAD v4.1: 1 of 1,613,482 alleles (0.000062%); highest among the groups gnomAD compares: Admixed American, 0.0017%; no homozygotes.

Submissions (2):

Women's Health and Genetics/Laboratory Corporation of America, LabCorp
Classification: Uncertain significance. Last evaluated: 2024-03-25. Review status: criteria provided, single submitter. Criteria: LabCorp Variant Classification Summary - May 2015. Collection method: clinical testing. Allele origin: germline.
Comment: Variant summary: PCCA c.689G>T (p.Arg230Leu) results in a non-conservative amino acid change located in the Carbamoyl-phosphate synthetase large subunit-like, ATP-binding domain (IPR005479) of the encoded protein sequence. Five of five in-silico tools predict a damaging effect of the variant on protein function. The variant was absent in 251134 control chromosomes (gnomAD). The available data on variant occurrences in the general population are insufficient to allow any conclusion about variant significance. To our knowledge, no occurrence of c.689G>T in individuals affected with Propionic Acidemia and no experimental evidence demonstrating its impact on protein function have been reported. No submitters have cited clinical-significance assessments for this variant to ClinVar. Based on the evidence outlined above, the variant was classified as uncertain significance.

Natera, Inc.
Classification: Uncertain significance for Propionic acidemia. Last evaluated: 2025-04-07. Review status: no assertion criteria provided. Collection method: clinical testing. Allele origin: germline. Not counted in ClinVar's aggregate classification.

NM_000282.4(PCCA):c.689G>T (p.Arg230Leu)

Gene: PCCA (propionyl-CoA carboxylase subunit alpha; plus strand). Cytogenetic location: 13q32.3.
Variant type: single nucleotide variant.
Coding change: c.689G>T on transcript NM_000282.4 (MANE Select); coding-DNA position 689, G replaced by T.
Protein change: p.Arg230Leu; replaces arginine 230 with leucine.
Molecular consequence: missense variant. On other transcripts: non-coding transcript variant (5), intron variant (3).
Genome position (GRCh38, 1-based): chr13:100,257,646, G>T. VCF-style: chr13-100257646-G-T. GRCh37 (hg19) VCF-style: chr13-100909900-G-T.
Other names: c.611G>T, p.Arg204Leu (NM_001127692.3, NM_001352607.2, NM_001352608.2); c.689G>T, p.Arg230Leu (NM_001178004.2, NM_001352605.2, NM_001352606.2 and 1 more transcripts); c.-229-5083G>T (NM_001352610.2, NM_001352611.2, NM_001352612.2); c.689G>T (NM_000282.3); short protein forms R204L, R230L.
Identifiers: ClinVar variation 3233784 (VCV003233784.3), dbSNP rs747943045, ClinGen allele CA255982346.
Genomic context (GRCh38, chr13:100,257,646, plus strand): 5'-TGCTGTTAGGCTACCCTGTCATGATCAAGGCCTCAGCAGGTGGTGGTGGGAAAGGCATGC[G>T]CATTGCTTGGGATGATGAAGAGACCAGGTGAGAGGCTGTCCAAAATATACTTTTGATGAA-3'
Protein context (NP_000273.2, residues 220-240): ASAGGGGKGM[Arg230Leu]IAWDDEETRD